The following is an entry in ClinVar:

ClinVar aggregate classification (germline): Pathogenic/Likely pathogenic. Review status: criteria provided, multiple submitters, no conflicts (2 of 4 stars). 13 submissions from 13 submitters: Pathogenic (1); Likely pathogenic (11). 1 of the submissions does not count toward it. Last evaluated 2026-06-12.

Conditions:
Hereditary cancer-predisposing syndrome. Also called: Hereditary neoplastic syndrome; Hereditary Cancer Syndrome; Neoplastic Syndromes, Hereditary; Tumor predisposition. Identifiers: Orphanet 140162, MedGen C0027672, MeSH D009386, MONDO:0015356.
Hereditary breast ovarian cancer syndrome. Also called: Hereditary breast and ovarian cancer syndrome; Breast and ovarian cancer; Hereditary breast and ovarian cancer; Hereditary breast and ovarian cancer syndrome (HBOC); BRCA1- and BRCA2-Associated Hereditary Breast and Ovarian Cancer; Hereditary breast and/or ovarian cancer syndrome. Identifiers: Orphanet 145, MedGen C0677776, MeSH D061325, MONDO:0003582. Disease mechanism: loss of function.
Bone osteosarcoma. Also called: Osteosarcoma, somatic. Identifiers: Orphanet 668, MedGen C0585442, MONDO:0002629, OMIM 259500.
CHEK2-related cancer predisposition (TPDS4). Also called: CANCER PREDISPOSITION SYNDROME, CHEK2-RELATED; TUMOR PREDISPOSITION SYNDROME 4; CHEK2-related cancer susceptibility. Identifiers: Orphanet 524, MedGen C5882668, MONDO:0700271, OMIM 609265.
Prostate cancer. Also called: Malignant tumor of prostate. Identifiers: Orphanet 1331, MedGen C0376358, MONDO:0008315, HP:0012125.
Familial cancer of breast. Also called: hereditary breast carcinoma; BREAST CANCER, FAMILIAL; Hereditary breast cancer. Identifiers: Orphanet 227535, MedGen C0346153, MONDO:0016419, OMIM 114480. Disease mechanism: loss of function.
Colorectal cancer. Also called: Colorectal cancer, somatic; Malignant Colorectal Neoplasm. Identifiers: MedGen C0346629, MONDO:0005575, OMIM 114500.
CHEK2-related disorder.

Allele frequency attached by ClinVar (database versions not stated): TOPMed below 0.00001.

Submissions (13):

Women's Health and Genetics/Laboratory Corporation of America, LabCorp
Classification: Likely pathogenic for Hereditary breast ovarian cancer syndrome. Last evaluated: 2026-06-12. Review status: criteria provided, single submitter. Criteria: LabCorp Variant Classification Summary - May 2015. Collection method: clinical testing. Allele origin: germline.
Comment: Variant summary: CHEK2 c.593-1G>T is located in a canonical splice-site and is predicted to affect mRNA splicing resulting in a significantly altered protein due to either exon skipping, shortening, or inclusion of intronic material. Variants that disrupt the consensus splice site are a relatively common cause of aberrant splicing and loss of CHEK2 function. Several computational tools predict a significant impact on normal splicing: Four predict the variant abolishes a 3' acceptor site. However, these predictions have yet to be confirmed by functional studies. The variant was absent in 208020 control chromosomes. c.593-1G>T has been observed in individual(s) affected with CHEK2-related conditions (e.g. Vargas-Parra_2020, Faria_2024, Weis_2025, Feliubaldo_2019, Velazquez_2020, Paulo_2018, Paulo_2023, Sandoval_2021, de Oliveira_2022, Infante_2024, Tung_2015). These data indicate that the variant may be associated with disease. To our knowledge, no experimental evidence demonstrating an impact on protein function has been reported. The following publications have been ascertained in the context of this evaluation (PMID: 38874686, 30927264, 38061684, 32792570, 29659569, 37436117, 33606809, 25186627, 32906215, 32522261, 39966186, 35534704). ClinVar contains an entry for this variant (Variation ID: 216003). Based on the evidence outlined above, the variant was classified as likely pathogenic.

Labcorp Genetics (formerly Invitae), Labcorp
Classification: Likely pathogenic for Familial cancer of breast. Last evaluated: 2025-12-20. Review status: criteria provided, single submitter. Criteria: Invitae Variant Classification Sherloc (09022015). Collection method: clinical testing. Allele origin: germline.
Comment: This sequence change affects an acceptor splice site in intron 4 of the CHEK2 gene. It is expected to disrupt RNA splicing. Variants that disrupt the donor or acceptor splice site typically lead to a loss of protein function (PMID: 16199547), and loss-of-function variants in CHEK2 are known to be pathogenic (PMID: 21876083, 24713400). This variant is not present in population databases (gnomAD no frequency). Disruption of this splice site has been observed in individual(s) with breast, prostate, or colorectal cancer (PMID: 25186627, 29659569, 32522261, 32906215, 35534704). ClinVar contains an entry for this variant (Variation ID: 216003). Algorithms developed to predict the effect of sequence changes on RNA splicing suggest that this variant may disrupt the consensus splice site. In summary, the currently available evidence indicates that the variant is pathogenic, but additional data are needed to prove that conclusively. Therefore, this variant has been classified as Likely Pathogenic.

Dasa
Classification: Likely pathogenic. Last evaluated: 2025-11-12. Review status: criteria provided, single submitter. Criteria: DASA Assertion Criteria. Collection method: clinical testing. Allele origin: germline.
Comment: NM_007194.4(CHEK2):c.593-1G>T affects a canonical splice site and is predicted to disrupt normal RNA splicing. Loss of function is an established disease mechanism for CHEK2 (PMID: 15122511; PMID: 16897426; PMID: 18381420). Also, this variant is rare in population databases. Based on the currently available evidence, this variant is classified as likely pathogenic.

GeneDx
Classification: Likely pathogenic. Last evaluated: 2025-09-22. Review status: criteria provided, single submitter. Criteria: GeneDx Variant Classification Process June 2021. Collection method: clinical testing. Allele origin: germline. Affected: yes.
Comment: Canonical splice site variant predicted to result in a null allele in a gene for which loss of function is a known mechanism of disease; Not observed at significant frequency in large population cohorts (gnomAD); This variant is associated with the following publications: (PMID: 25186627, 24713400, 21876083, 29659569, 32522261, 32906215, 32792570, 31589614, 35534704, 37450374, 38061684, 37436117)

Ambry Genetics
Classification: Likely pathogenic for Hereditary cancer-predisposing syndrome. Last evaluated: 2025-04-09. Review status: criteria provided, single submitter. Criteria: Ambry Variant Classification Scheme 2023. Collection method: clinical testing. Allele origin: germline.
Comment: The c.593-1G>T intronic variant results from a G to T substitution one nucleotide upstream from coding exon 4 of the CHEK2 gene. This nucleotide position is highly conserved in available vertebrate species. In silico splice site analysis predicts that this alteration will weaken the native splice acceptor site and will result in the creation or strengthening of a novel splice acceptor site; however, direct evidence is insufficient (Ambry internal data). This variant is considered to be rare based on population cohorts in the Genome Aggregation Database (gnomAD). Alterations that disrupt the canonical splice site are expected to cause aberrant splicing, resulting in an abnormal protein or a transcript that is subject to nonsense-mediated mRNA decay. As such, this alteration is classified as likely pathogenic.

Color Diagnostics, LLC DBA Color Health
Classification: Likely pathogenic for Hereditary cancer-predisposing syndrome. Last evaluated: 2023-10-02. Review status: criteria provided, single submitter. Criteria: ACMG Guidelines, 2015. Collection method: clinical testing. Allele origin: germline.
Comment: This variant causes a G>T nucleotide substitution at the -1 position of intron 4 of the CHEK2 gene. Splice site prediction tools predict that this variant may have a significant impact on RNA splicing. Although this prediction has not been confirmed in published RNA studies, this variant is expected to result in an absent or disrupted protein product. This variant has been reported in individuals affected with breast, endometrial, prostate, and colorectal cancer (PMID: 25186627, 29659569, 32522261, 32906215). This variant has not been identified in the general population by the Genome Aggregation Database (gnomAD). Loss of CHEK2 function is a known mechanism of disease. Based on the available evidence, this variant is classified as Likely Pathogenic.

Baylor Genetics
Classification: Likely pathogenic for Familial cancer of breast. Last evaluated: 2023-06-14. Review status: criteria provided, single submitter. Criteria: ACMG Guidelines, 2015. Collection method: clinical testing. Allele origin: unknown.

Myriad Genetics, Inc.
Classification: Likely pathogenic for Familial cancer of breast. Last evaluated: 2023-03-08. Review status: criteria provided, single submitter. Criteria: Myriad Autosomal Dominant, Autosomal Recessive and X-Linked Classification Criteria (2023). Collection method: clinical testing. Allele origin: unknown.
Comment: This variant is considered likely pathogenic. This variant occurs within a consensus splice junction and is predicted to result in abnormal mRNA splicing of either an out-of-frame exon or an in-frame exon necessary for protein stability and/or normal function.

Fulgent Genetics
Classification: Pathogenic for Familial cancer of breast; Colorectal cancer; Familial prostate cancer; Bone osteosarcoma; CHEK2-related cancer predisposition. Last evaluated: 2022-04-14. Review status: criteria provided, single submitter. Criteria: ACMG Guidelines, 2015. Collection method: clinical testing. Allele origin: unknown.

Sema4
Classification: Likely pathogenic for Hereditary cancer-predisposing syndrome. Last evaluated: 2022-01-04. Review status: criteria provided, single submitter. Criteria: Sema4 Curation Guidelines. Collection method: curation. Allele origin: germline.
Comment: The CHEK2 c.593-1G>T variant has been reported in heterozygosity in at least 4 individuals with breast prostate, colorectal and endometrial cancer (PMID: 25186627, 29659569, 32906215, 32522261). This variant was not observed in the Genome Aggregation Database (PMID: 32461654). This variant has been reported in ClinVar (Variation ID: 216003). This variant affects a nucleotide within a consensus splice site of an intron. This variant may cause exon skipping, intron retention or use of a cryptic splice site. Donor and acceptor splice site variants typically lead to a loss of protein function (PMID: 16199547), and loss-of-function variants in CHEK2 are known to be pathogenic (PMID: 21876083, 24713400). Based on the current evidence available, this variant is interpreted as likely pathogenic.

Blueprint Genetics
Classification: Likely pathogenic for CHEK2-related disorders. Last evaluated: 2021-05-18. Review status: criteria provided, single submitter. Criteria: ACMG Guidelines, 2015. Collection method: clinical testing. Allele origin: germline. Affected: yes. Observed: 1 variant allele.

Mendelics
Classification: Likely pathogenic for Familial cancer of breast. Last evaluated: 2018-07-02. Review status: criteria provided, single submitter. Criteria: Mendelics Assertion Criteria 2017. Collection method: clinical testing. Allele origin: unknown.

Counsyl
Classification: Likely pathogenic for Familial cancer of breast. Last evaluated: 2017-04-05. Review status: no assertion criteria provided. Collection method: clinical testing. Allele origin: unknown. Not counted in ClinVar's aggregate classification.

Literature cited by the submitters: PubMed 25186627 (cited by 5 submitters); PubMed 29659569 (cited by 5 submitters); PubMed 30927264 (cited by Women's Health and Genetics/Laboratory Corporation of America, LabCorp); PubMed 32906215 (cited by 5 submitters); PubMed 33606809 (cited by Women's Health and Genetics/Laboratory Corporation of America, LabCorp); PubMed 32792570 (cited by Women's Health and Genetics/Laboratory Corporation of America, LabCorp); PubMed 32522261 (cited by 4 submitters); PubMed 35534704 (cited by 3 submitters); PubMed 37436117 (cited by Women's Health and Genetics/Laboratory Corporation of America, LabCorp); PubMed 38061684 (cited by Women's Health and Genetics/Laboratory Corporation of America, LabCorp); PubMed 38874686 (cited by Women's Health and Genetics/Laboratory Corporation of America, LabCorp); PubMed 39966186 (cited by Women's Health and Genetics/Laboratory Corporation of America, LabCorp); PubMed 16199547 (cited by Labcorp Genetics (formerly Invitae), Labcorp and Sema4); PubMed 21876083 (cited by Labcorp Genetics (formerly Invitae), Labcorp and Sema4); PubMed 24713400 (cited by Labcorp Genetics (formerly Invitae), Labcorp and Sema4); PubMed 15122511 (cited by Dasa); PubMed 16897426 (cited by Dasa); PubMed 18381420 (cited by Dasa).

NM_007194.4(CHEK2):c.593-1G>T

Gene: CHEK2 (checkpoint kinase 2; minus strand). Cytogenetic location: 22q12.1.
Variant type: single nucleotide variant.
Coding change: c.593-1G>T on transcript NM_007194.4 (MANE Select); the canonical splice acceptor site of the intron before coding-DNA position 593, G replaced by T.
Molecular consequence: splice acceptor variant. On other transcripts: intron variant (1).
Genome position (GRCh38, 1-based): chr22:28,719,486, C>A on the plus strand (G>T on the coding strand, the complement: CHEK2 is on the minus strand). VCF-style: chr22-28719486-C-A. GRCh37 (hg19) VCF-style: chr22-29115474-C-A.
Other names: c.-71-1G>T (NM_001437942.1, NM_001257387.3); c.482+5400G>T (NM_001349956.3); c.593-1G>T (NM_145862.3); c.686-1G>T (NM_001438295.1, NM_001438293.1); c.722-1G>T (NM_001438294.1, NM_001005735.3).
Identifiers: ClinVar variation 216003 (VCV000216003.40), dbSNP rs786203229, ClinGen allele CA336037.